The following is an entry in ClinVar:

ClinVar aggregate classification (germline): Uncertain significance (1 of 4 stars; one submission).

Conditions:
Polycystic kidney disease, adult type (PKD1). Also called: POLYCYSTIC KIDNEY DISEASE, ADULT, TYPE I; Polycystic Kidney, Autosomal Dominant; Polycystic Kidney Disease 1, Autosomal Dominant; Polycystic kidney disease 1; Polycystic kidney disease 1, severe; POLYCYSTIC KIDNEY DISEASE 1 WITH OR WITHOUT POLYCYSTIC LIVER DISEASE. Identifiers: MedGen C3149841, MONDO:0008263, OMIM 173900.

Submission:

Juno Genomics, Hangzhou Juno Genomics, Inc
Classification: Uncertain significance for Polycystic kidney disease, adult type. Review status: criteria provided, single submitter. Criteria: ACMG Guidelines, 2015. Collection method: clinical testing. Allele origin: germline.
Comment: Absent from controls (or at extremely low frequency if recessive) in Genome Aggregation Database.;De novo (both maternity and paternity confirmed) in a patient with the disease and no family history.;Multiple lines of computational evidence suggest no impact on gene or gene product.

NM_001009944.3(PKD1):c.8653C>G (p.Arg2885Gly)

Gene: PKD1 (polycystin 1, transient receptor potential channel interacting; minus strand). Cytogenetic location: 16p13.3.
Variant type: single nucleotide variant.
Coding change: c.8653C>G on transcript NM_001009944.3 (MANE Select); coding-DNA position 8653, C replaced by G.
Protein change: p.Arg2885Gly; replaces arginine 2885 with glycine.
Molecular consequence: missense variant.
Genome position (GRCh38, 1-based): chr16:2,103,404, G>C on the plus strand (C>G on the coding strand, the complement: PKD1 is on the minus strand). VCF-style: chr16-2103404-G-C. GRCh37 (hg19) VCF-style: chr16-2153405-G-C.
Other names: c.8653C>G, p.Arg2885Gly (NM_000296.4); short protein forms R2885G.
Identifiers: ClinVar variation 5005524 (VCV005005524.2).
Genomic context (GRCh38, chr16:2,103,404, plus strand): 5'-CGGAGGCCTGGGGCTGGACCACAACGGAGTTGGCGGAGTTGGCGGAGCTGCGGTGGCCCC[G>C]GGCAGCCCAGTCCGAGTTGTTGGGCACCTTCACGGTGATGGCGCGCTCTGAGGCCAGCCG-3'
Protein context (NP_001009944.3, residues 2875-2895): KVPNNSDWAA[Arg2885Gly]GHRSSANSAN